The following is an entry in ClinVar:

NM_001205293.3(CACNA1E):c.3433G>A (p.Ala1145Thr)

Gene: CACNA1E (calcium voltage-gated channel subunit alpha1 E; plus strand). Cytogenetic location: 1q25.3.
Variant type: single nucleotide variant.
Coding change: c.3433G>A on transcript NM_001205293.3 (MANE Select); coding-DNA position 3433, G replaced by A.
Protein change: p.Ala1145Thr; replaces alanine 1145 with threonine.
Molecular consequence: missense variant.
Genome position (GRCh38, 1-based): chr1:181,737,535, G>A. VCF-style: chr1-181737535-G-A. GRCh37 (hg19) VCF-style: chr1-181706671-G-A.
Other names: c.3433G>A, p.Ala1145Thr (NM_000721.4); c.3376G>A, p.Ala1126Thr (NM_001205294.2); short protein forms A1126T, A1145T.
Identifiers: ClinVar variation 2755895 (VCV002755895.3), dbSNP rs76614214, ClinGen allele CA343621823.
Genomic context (GRCh38, chr1:181,737,535, plus strand): 5'-CATGGGCGTGGTGGGGAGTGGGCCAGCTCAGCCATGCCCACTGCCCGCAGGATCCGGAGG[G>A]CCTGCCACTACATCGTGAACCTGCGCTACTTTGAGATGTGCATCCTCCTGGTGATTGCAG-3'
Protein context (NP_001192222.1, residues 1135-1155): IFSTTNPIRR[Ala1145Thr]CHYIVNLRYF

ClinVar aggregate classification (germline): Uncertain significance (1 of 4 stars; one submission).

Submission:

Labcorp Genetics (formerly Invitae), Labcorp
Classification: Uncertain significance. Last evaluated: 2023-08-28. Review status: criteria provided, single submitter. Criteria: Invitae Variant Classification Sherloc (09022015). Collection method: clinical testing. Allele origin: germline.
Comment: Advanced modeling of protein sequence and biophysical properties (such as structural, functional, and spatial information, amino acid conservation, physicochemical variation, residue mobility, and thermodynamic stability) performed at Invitae indicates that this missense variant is not expected to disrupt CACNA1E protein function. This sequence change replaces alanine, which is neutral and non-polar, with threonine, which is neutral and polar, at codon 1145 of the CACNA1E protein (p.Ala1145Thr). This variant is not present in population databases (gnomAD no frequency). This variant has not been reported in the literature in individuals affected with CACNA1E-related conditions. In summary, the available evidence is currently insufficient to determine the role of this variant in disease. Therefore, it has been classified as a Variant of Uncertain Significance.